The following is an entry in ClinVar:

ClinVar aggregate classification (germline): Uncertain significance (1 of 4 stars; one submission).

Conditions:
Hereditary cancer-predisposing syndrome. Also called: Neoplastic Syndromes, Hereditary; Tumor predisposition; Hereditary neoplastic syndrome; Hereditary Cancer Syndrome. Identifiers: Orphanet 140162, MedGen C0027672, MeSH D009386, MONDO:0015356.

Submission:

Ambry Genetics
Classification: Uncertain significance for Hereditary cancer-predisposing syndrome. Last evaluated: 2024-02-02. Review status: criteria provided, single submitter. Criteria: Ambry Variant Classification Scheme 2023. Collection method: clinical testing. Allele origin: germline.
Comment: The p.L277V variant (also known as c.829C>G), located in coding exon 8 of the RB1 gene, results from a C to G substitution at nucleotide position 829. The leucine at codon 277 is replaced by valine, an amino acid with highly similar properties. This amino acid position is conserved. In addition, this alteration is predicted to be deleterious by in silico analysis. Based on the available evidence, the clinical significance of this alteration remains unclear.

NM_000321.3(RB1):c.829C>G (p.Leu277Val)

Gene: RB1 (RB transcriptional corepressor 1; plus strand). Cytogenetic location: 13q14.2.
Variant type: single nucleotide variant.
Coding change: c.829C>G on transcript NM_000321.3 (MANE Select); coding-DNA position 829, C replaced by G.
Protein change: p.Leu277Val; replaces leucine 277 with valine.
Molecular consequence: missense variant.
Genome position (GRCh38, 1-based): chr13:48,362,925, C>G. VCF-style: chr13-48362925-C-G. GRCh37 (hg19) VCF-style: chr13-48937061-C-G.
Other names: c.829C>G, p.Leu277Val (NM_001407165.1, NM_001407166.1); short protein forms L277V.
Identifiers: ClinVar variation 3231251 (VCV003231251.1), dbSNP rs2138112682, ClinGen allele CA388159598.
Genomic context (GRCh38, chr13:48,362,925, plus strand): 5'-CAGAACAGGAGTGCACGGATAGCAAAACAACTAGAAAATGATACAAGAATTATTGAAGTT[C>G]TCTGTAAAGAACATGAATGTAATATAGATGAGGTAATTTAACTTCATGATTTCTTTAAAA-3'
Protein context (NP_000312.2, residues 267-287): LENDTRIIEV[Leu277Val]CKEHECNIDE